The following is an entry in ClinVar:

ClinVar aggregate classification (germline): Likely pathogenic (1 of 4 stars; one submission).

Conditions:
Neurodevelopmental disorder with cerebellar atrophy and motor dysfunction. Identifiers: MedGen C5543427, MONDO:0859152, OMIM 619333.

Submission:

Diagnostics Services (NGS), CSIR - Centre For Cellular And Molecular Biology
Classification: Likely pathogenic for Neurodevelopmental disorder with cerebellar atrophy and motor dysfunction. Last evaluated: 2024-11-01. Review status: criteria provided, single submitter. Criteria: ACMG Guidelines, 2015. Collection method: clinical testing. Allele origin: unknown. Affected: no. Observed: 1 variant allele, 1 heterozygote.
Comment: The c.4263-1G>C variant is not present in 1000 Genomes, EVS, ExAC, gnomAD, Indian Exome Database or our in-house exome database. This variant has neither been published in the literature in individuals affected with GEMIN5-related conditions nor reported to the ClinVar, HGMD or OMIM databases. Algorithms developed to predict the effect of sequence changes on RNA splicing suggest that this variant may disrupt the consensus splice site. In-silico pathogenicity prediction programs like HSF3.1, MutationTaster2, CADD, Varsome, Franklin, etc. predicted this variant to be likely deleterious; however, these predictions were not confirmed by published translational/functional studies.

NM_015465.5(GEMIN5):c.4263-1G>C

Gene: GEMIN5 (gem nuclear organelle associated protein 5; minus strand). Cytogenetic location: 5q33.2.
Variant type: single nucleotide variant.
Coding change: c.4263-1G>C on transcript NM_015465.5 (MANE Select); the canonical splice acceptor site of the intron before coding-DNA position 4263, G replaced by C.
Molecular consequence: splice acceptor variant.
Genome position (GRCh38, 1-based): chr5:154,889,418, C>G on the plus strand (G>C on the coding strand, the complement: GEMIN5 is on the minus strand). VCF-style: chr5-154889418-C-G. GRCh37 (hg19) VCF-style: chr5-154268978-C-G.
Other names: c.4260-1G>C (NM_001252156.2).
Identifiers: ClinVar variation 3383358 (VCV003383358.1).